The following is an entry in ClinVar:

NM_000222.3(KIT):c.2350G>T (p.Ala784Ser)

Gene: KIT (KIT proto-oncogene, receptor tyrosine kinase; plus strand). Cytogenetic location: 4q12.
Variant type: single nucleotide variant.
Coding change: c.2350G>T on transcript NM_000222.3 (MANE Select); coding-DNA position 2350, G replaced by T.
Protein change: p.Ala784Ser; replaces alanine 784 with serine.
Molecular consequence: missense variant.
Genome position (GRCh38, 1-based): chr4:54,731,987, G>T. VCF-style: chr4-54731987-G-T. GRCh37 (hg19) VCF-style: chr4-55598153-G-T.
Other names: c.2338G>T, p.Ala780Ser (NM_001093772.2, NM_001385292.1); c.2353G>T, p.Ala785Ser (NM_001385284.1); c.2347G>T, p.Ala783Ser (NM_001385285.1); c.2335G>T, p.Ala779Ser (NM_001385286.1); c.2341G>T, p.Ala781Ser (NM_001385288.1); c.2350G>T, p.Ala784Ser (NM_001385290.1); short protein forms A779S, A780S, A781S, A783S, A784S, A785S.
Identifiers: ClinVar variation 1015278 (VCV001015278.9), dbSNP rs1309976246, ClinGen allele CA356911150.

ClinVar aggregate classification (germline): Uncertain significance (1 of 4 stars; one submission).

Conditions:
Gastrointestinal stromal tumor. Also called: Gastrointestinal stromal tumor, somatic; Gastrointestinal stroma tumor. Identifiers: Orphanet 44890, MedGen C0238198, MeSH D046152, MONDO:0011719, OMIM 606764, HP:0100723.

Submission:

Labcorp Genetics (formerly Invitae), Labcorp
Classification: Uncertain significance for Gastrointestinal stromal tumor. Last evaluated: 2020-10-06. Review status: criteria provided, single submitter. Criteria: Invitae Variant Classification Sherloc (09022015). Collection method: clinical testing. Allele origin: germline.
Comment: Algorithms developed to predict the effect of missense changes on protein structure and function (SIFT, PolyPhen-2, Align-GVGD) all suggest that this variant is likely to be disruptive, but these predictions have not been confirmed by published functional studies and their clinical significance is uncertain. This variant has not been reported in the literature in individuals with KIT-related conditions. This variant is not present in population databases (ExAC no frequency). This sequence change replaces alanine with serine at codon 784 of the KIT protein (p.Ala784Ser). The alanine residue is highly conserved and there is a moderate physicochemical difference between alanine and serine. In summary, the available evidence is currently insufficient to determine the role of this variant in disease. Therefore, it has been classified as a Variant of Uncertain Significance.